The following is an entry in ClinVar:

ClinVar aggregate classification (germline): Uncertain significance. Review status: criteria provided, multiple submitters, no conflicts (2 of 4 stars). 2 submissions from 2 submitters: Uncertain significance (2). Last evaluated 2023-12-20.

Conditions:
Kabuki syndrome. Also called: NIIKAWA-KUROKI SYNDROME; Kabuki make-up syndrome. Identifiers: Orphanet 2322, MedGen C0796004, MONDO:0016512.

Allele frequency attached by ClinVar (database versions not stated): TOPMed 0.00001.

Submissions (2):

Labcorp Genetics (formerly Invitae), Labcorp
Classification: Uncertain significance for Kabuki syndrome. Last evaluated: 2023-12-20. Review status: criteria provided, single submitter. Criteria: Invitae Variant Classification Sherloc (09022015). Collection method: clinical testing. Allele origin: germline.
Comment: This sequence change replaces phenylalanine, which is neutral and non-polar, with leucine, which is neutral and non-polar, at codon 1952 of the KMT2D protein (p.Phe1952Leu). This variant is not present in population databases (gnomAD no frequency). This variant has not been reported in the literature in individuals affected with KMT2D-related conditions. Advanced modeling of protein sequence and biophysical properties (such as structural, functional, and spatial information, amino acid conservation, physicochemical variation, residue mobility, and thermodynamic stability) performed at Invitae indicates that this missense variant is not expected to disrupt KMT2D protein function with a negative predictive value of 95%. In summary, the available evidence is currently insufficient to determine the role of this variant in disease. Therefore, it has been classified as a Variant of Uncertain Significance.

Clinical Genetics Laboratory, Skane University Hospital Lund
Classification: Uncertain significance. Last evaluated: 2022-05-27. Review status: criteria provided, single submitter. Criteria: ACMG Guidelines, 2015. Collection method: clinical testing. Allele origin: germline. Affected: yes.

NM_003482.4(KMT2D):c.5856C>A (p.Phe1952Leu)

Gene: KMT2D (lysine methyltransferase 2D; minus strand). Cytogenetic location: 12q13.12.
Variant type: single nucleotide variant.
Coding change: c.5856C>A on transcript NM_003482.4 (MANE Select); coding-DNA position 5856, C replaced by A.
Protein change: p.Phe1952Leu; replaces phenylalanine 1952 with leucine.
Molecular consequence: missense variant.
Genome position (GRCh38, 1-based): chr12:49,042,572, G>T on the plus strand (C>A on the coding strand, the complement: KMT2D is on the minus strand). VCF-style: chr12-49042572-G-T. GRCh37 (hg19) VCF-style: chr12-49436355-G-T.
Other names: short protein forms F1952L.
Identifiers: ClinVar variation 2754501 (VCV002754501.4), dbSNP rs1943592290, ClinGen allele CA384627977.
Genomic context (GRCh38, chr12:49,042,572, plus strand): 5'-GGGAAAGGACAACGAGGACTGCCCACAAAGGTTACGCAGAGACACCAACCTAGAATCCAG[G>T]AACGGGGACTGGCAGAGGCCTGGGTAGGAGTCCATTGGGCTGCTGGAGGGCAGATTGCCC-3'
Protein context (NP_003473.3, residues 1942-1962): DSYPGLCQSP[Phe1952Leu]LDSRERGGFF